The following is an entry in ClinVar:

NM_024529.5(CDC73):c.53T>C (p.Ile18Thr)

Gene: CDC73 (cell division cycle 73; plus strand). Cytogenetic location: 1q31.2.
Variant type: single nucleotide variant.
Coding change: c.53T>C on transcript NM_024529.5 (MANE Select); coding-DNA position 53, T replaced by C.
Protein change: p.Ile18Thr; replaces isoleucine 18 with threonine.
Molecular consequence: missense variant.
Genome position (GRCh38, 1-based): chr1:193,122,253, T>C. VCF-style: chr1-193122253-T-C. GRCh37 (hg19) VCF-style: chr1-193091383-T-C.
Other names: short protein forms I18T.
Identifiers: ClinVar variation 2820972 (VCV002820972.3), dbSNP rs2103111665, ClinGen allele CA343972839.

ClinVar aggregate classification (germline): Uncertain significance (1 of 4 stars; one submission).

Conditions:
Parathyroid carcinoma (PRTC). Also called: Parathyroid gland carcinoma; CDC73-Related Parathyroid Carcinoma. Identifiers: Orphanet 143, MedGen C0687150, MONDO:0012004, OMIM 608266, HP:0006780.

gnomAD v4.1: 2 of 1,613,768 alleles (0.00012%); highest among the groups gnomAD compares: Non-Finnish European, 0.00017%; no homozygotes.

Submission:

Labcorp Genetics (formerly Invitae), Labcorp
Classification: Uncertain significance for Parathyroid carcinoma. Last evaluated: 2024-07-30. Review status: criteria provided, single submitter. Criteria: Invitae Variant Classification Sherloc (09022015). Collection method: clinical testing. Allele origin: germline.
Comment: This sequence change replaces isoleucine, which is neutral and non-polar, with threonine, which is neutral and polar, at codon 18 of the CDC73 protein (p.Ile18Thr). This variant is not present in population databases (gnomAD no frequency). This variant has not been reported in the literature in individuals affected with CDC73-related conditions. Advanced modeling of protein sequence and biophysical properties (such as structural, functional, and spatial information, amino acid conservation, physicochemical variation, residue mobility, and thermodynamic stability) performed at Invitae indicates that this missense variant is expected to disrupt CDC73 protein function with a positive predictive value of 80%. In summary, the available evidence is currently insufficient to determine the role of this variant in disease. Therefore, it has been classified as a Variant of Uncertain Significance.